The following is an entry in ClinVar:

ClinVar aggregate classification (germline): Uncertain significance (1 of 4 stars; one submission).

Allele frequency attached by ClinVar (database versions not stated): TOPMed below 0.00001.

Submission:

Labcorp Genetics (formerly Invitae), Labcorp
Classification: Uncertain significance. Last evaluated: 2022-07-24. Review status: criteria provided, single submitter. Criteria: Invitae Variant Classification Sherloc (09022015). Collection method: clinical testing. Allele origin: germline.
Comment: In summary, the available evidence is currently insufficient to determine the role of this variant in disease. Therefore, it has been classified as a Variant of Uncertain Significance. Advanced modeling of protein sequence and biophysical properties (such as structural, functional, and spatial information, amino acid conservation, physicochemical variation, residue mobility, and thermodynamic stability) performed at Invitae indicates that this missense variant is not expected to disrupt KMT2A protein function. This variant has not been reported in the literature in individuals affected with KMT2A-related conditions. This variant is not present in population databases (gnomAD no frequency). This sequence change replaces serine, which is neutral and polar, with glycine, which is neutral and non-polar, at codon 2242 of the KMT2A protein (p.Ser2242Gly).

NM_001197104.2(KMT2A):c.6724A>G (p.Ser2242Gly)

Gene: KMT2A (lysine methyltransferase 2A; plus strand). Cytogenetic location: 11q23.3.
Variant type: single nucleotide variant.
Coding change: c.6724A>G on transcript NM_001197104.2 (MANE Select); coding-DNA position 6724, A replaced by G.
Protein change: p.Ser2242Gly; replaces serine 2242 with glycine.
Molecular consequence: missense variant.
Genome position (GRCh38, 1-based): chr11:118,502,616, A>G. VCF-style: chr11-118502616-A-G. GRCh37 (hg19) VCF-style: chr11-118373331-A-G.
Other names: c.6814A>G, p.Ser2272Gly (NM_001412597.1); c.6715A>G, p.Ser2239Gly (NM_005933.4); short protein forms S2239G, S2272G, S2242G.
Identifiers: ClinVar variation 1930114 (VCV001930114.5), dbSNP rs1430563470, ClinGen allele CA382802825.
Genomic context (GRCh38, chr11:118,502,616, plus strand): 5'-TACTCTAGGAATAATGTTTCCTCAGTCTCCACCACCGGGACCGCTACTGATCTTGAATCA[A>G]GTGCCAAAGTAGTTGATCATGTCTTAGGGCCACTGAATTCAAGTACTAGTTTAGGGCAAA-3'
Protein context (NP_001184033.1, residues 2232-2252): TTGTATDLES[Ser2242Gly]AKVVDHVLGP